The following is an entry in ClinVar:

ClinVar aggregate classification (germline): Uncertain significance (1 of 4 stars; one submission).

gnomAD v4.1: 7 of 1,596,626 alleles (0.00044%); highest among the groups gnomAD compares: South Asian, 0.0011%; no homozygotes.

Submission:

Labcorp Genetics (formerly Invitae), Labcorp
Classification: Uncertain significance. Last evaluated: 2024-12-04. Review status: criteria provided, single submitter. Criteria: Invitae Variant Classification Sherloc (09022015). Collection method: clinical testing. Allele origin: germline.
Comment: This sequence change replaces arginine, which is basic and polar, with glutamine, which is neutral and polar, at codon 418 of the TAOK2 protein (p.Arg418Gln). This variant is present in population databases (rs772522310, gnomAD 0.002%). This variant has not been reported in the literature in individuals affected with TAOK2-related conditions. An algorithm developed to predict the effect of missense changes on protein structure and function (PolyPhen-2) suggests that this variant is likely to be disruptive. In summary, the available evidence is currently insufficient to determine the role of this variant in disease. Therefore, it has been classified as a Variant of Uncertain Significance.

NM_016151.4(TAOK2):c.1253G>A (p.Arg418Gln)

Gene: TAOK2 (TAO kinase 2; plus strand). Cytogenetic location: 16p11.2.
Variant type: single nucleotide variant.
Coding change: c.1253G>A on transcript NM_016151.4 (MANE Select); coding-DNA position 1253, G replaced by A.
Protein change: p.Arg418Gln; replaces arginine 418 with glutamine.
Molecular consequence: missense variant.
Genome position (GRCh38, 1-based): chr16:29,983,325, G>A. VCF-style: chr16-29983325-G-A. GRCh37 (hg19) VCF-style: chr16-29994646-G-A.
Other names: c.1253G>A, p.Arg418Gln (NM_001252043.2, NM_004783.4); short protein forms R418Q.
Identifiers: ClinVar variation 3701898 (VCV003701898.2).